The following is an entry in ClinVar:

ClinVar aggregate classification (germline): Pathogenic (1 of 4 stars; one submission).

Submission:

Labcorp Genetics (formerly Invitae), Labcorp
Classification: Pathogenic. Last evaluated: 2022-08-31. Review status: criteria provided, single submitter. Criteria: Invitae Variant Classification Sherloc (09022015). Collection method: clinical testing. Allele origin: germline.
Comment: For these reasons, this variant has been classified as Pathogenic. This premature translational stop signal has been observed in individual(s) with cleidocranial dysplasia (PMID: 31548836). This variant is not present in population databases (gnomAD no frequency). This sequence change creates a premature translational stop signal (p.Tyr303*) in the RUNX2 gene. It is expected to result in an absent or disrupted protein product. Loss-of-function variants in RUNX2 are known to be pathogenic (PMID: 10521292, 11857736).

Literature cited by the submitters: PubMed 31548836; PubMed 10521292; PubMed 11857736.

NM_001024630.4(RUNX2):c.909C>G (p.Tyr303Ter)

Gene: RUNX2 (RUNX family transcription factor 2; plus strand). Cytogenetic location: 6p21.1.
Variant type: single nucleotide variant.
Coding change: c.909C>G on transcript NM_001024630.4 (MANE Select); coding-DNA position 909, C replaced by G.
Protein change: p.Tyr303Ter; replaces tyrosine 303 with a stop codon.
Molecular consequence: nonsense.
Genome position (GRCh38, 1-based): chr6:45,512,295, C>G. VCF-style: chr6-45512295-C-G. GRCh37 (hg19) VCF-style: chr6-45480032-C-G.
Other names: c.909C>G, p.Tyr303Ter (NM_001015051.4); c.867C>G, p.Tyr289Ter (NM_001278478.2, NM_001369405.1, NM_004348.3); short protein forms Y303*, Y289*.
Identifiers: ClinVar variation 1916294 (VCV001916294.5), dbSNP rs2548650303, ClinGen allele CA363955930.
Genomic context (GRCh38, chr6:45,512,295, plus strand): 5'-CTTTTTCCCAGACCCCAGGCAGGCACAGTCTTCCCCGCCGTGGTCCTATGACCAGTCTTA[C>G]CCCTCCTACCTGAGCCAGATGACGTCCCCGTCCATCCACTCTACCACCCCGCTGTCTTCC-3'